The following is an entry in ClinVar:

NM_001204375.2(NPR3):c.550A>T (p.Met184Leu)

Genes: NPR3 (natriuretic peptide receptor 3; plus strand), LOC123493284 (Sharpr-MPRA regulatory region 158; plus strand). Cytogenetic location: 5p13.3.
Variant type: single nucleotide variant.
Coding change: c.550A>T on transcript NM_001204375.2 (MANE Select); coding-DNA position 550, A replaced by T.
Protein change: p.Met184Leu; replaces methionine 184 with leucine.
Molecular consequence: missense variant. On other transcripts: intron variant (4).
Genome position (GRCh38, 1-based): chr5:32,712,326, A>T. VCF-style: chr5-32712326-A-T. GRCh37 (hg19) VCF-style: chr5-32712432-A-T.
Other names: c.550A>T, p.Met184Leu (NM_000908.4); c.50-12372A>T (NM_001364458.2); c.121+1543A>T (NM_001363652.2, NM_001204376.2, NM_001364460.2); short protein forms M184L.
Identifiers: ClinVar variation 1483584 (VCV001483584.6), dbSNP rs2111842185, ClinGen allele CA359467438.

ClinVar aggregate classification (germline): Uncertain significance (1 of 4 stars; one submission).

Allele frequency attached by ClinVar (database versions not stated): gnomAD exomes below 0.00001.

Submission:

Labcorp Genetics (formerly Invitae), Labcorp
Classification: Uncertain significance. Last evaluated: 2021-10-22. Review status: criteria provided, single submitter. Criteria: Invitae Variant Classification Sherloc (09022015). Collection method: clinical testing. Allele origin: germline.
Comment: In summary, the available evidence is currently insufficient to determine the role of this variant in disease. Therefore, it has been classified as a Variant of Uncertain Significance. Algorithms developed to predict the effect of missense changes on protein structure and function are either unavailable or do not agree on the potential impact of this missense change (SIFT: "Deleterious"; PolyPhen-2: "Possibly Damaging"; Align-GVGD: "Class C0"). This variant has not been reported in the literature in individuals affected with NPR3-related conditions. This variant is not present in population databases (gnomAD no frequency). This sequence change replaces methionine, which is neutral and non-polar, with leucine, which is neutral and non-polar, at codon 184 of the NPR3 protein (p.Met184Leu).